The following is an entry in ClinVar:

ClinVar aggregate classification (germline): Conflicting classifications of pathogenicity. Review status: criteria provided, conflicting classifications (1 of 4 stars). 8 submissions from 8 submitters: Uncertain significance (5); Likely benign (1). 2 of the submissions do not count toward it. Last evaluated 2024-11-01.

Conditions:
Hyper-IgE recurrent infection syndrome 3, autosomal recessive. Also called: Autosomal recessive hyper-IgE syndrome due to ZNF341 deficiency; HYPER-IgE SYNDROME 3, AUTOSOMAL RECESSIVE, WITH RECURRENT INFECTIONS. Identifiers: Orphanet 641368, MedGen C4748969, MONDO:0032654, OMIM 618282.
Combined immunodeficiency due to DOCK8 deficiency (HIES2). Also called: HIES autosomal recessive; Hyper-IgE recurrent infection syndrome, autosomal recessive; DOCK8 Deficiency; HYPER-IgE RECURRENT INFECTION SYNDROME 2, AUTOSOMAL RECESSIVE; HYPER-IgE SYNDROME 2, AUTOSOMAL RECESSIVE, WITH RECURRENT INFECTIONS. Identifiers: Orphanet 217390, MedGen C4722305, MONDO:0009478, OMIM 243700.

Allele frequency attached by ClinVar (database versions not stated): ESP Exome Variant Server 0.00054; gnomAD 0.00054; TOPMed 0.00056; gnomAD exomes 0.00070 and 0.00093; ExAC 0.00078; 1000 Genomes Project 30x 0.00109; 1000 Genomes Project 0.00120.
gnomAD v4.1: 1,438 of 1,613,968 alleles (0.089%); highest among the groups gnomAD compares: Non-Finnish European, 0.11%; 2 homozygotes.

Submissions (8):

Blueprint Genetics
Classification: Uncertain significance. Last evaluated: 2024-11-01. Review status: criteria provided, single submitter. Criteria: ACMG Guidelines, 2015. Collection method: clinical testing. Allele origin: germline.

Labcorp Genetics (formerly Invitae), Labcorp
Classification: Uncertain significance for Combined immunodeficiency due to DOCK8 deficiency. Last evaluated: 2024-01-29. Review status: criteria provided, single submitter. Criteria: Invitae Variant Classification Sherloc (09022015). Collection method: clinical testing. Allele origin: germline.
Comment: This sequence change replaces glutamic acid, which is acidic and polar, with aspartic acid, which is acidic and polar, at codon 1104 of the DOCK8 protein (p.Glu1104Asp). This variant is present in population databases (rs138810908, gnomAD 0.1%), and has an allele count higher than expected for a pathogenic variant. This variant has not been reported in the literature in individuals affected with DOCK8-related conditions. ClinVar contains an entry for this variant (Variation ID: 366974). Advanced modeling of protein sequence and biophysical properties (such as structural, functional, and spatial information, amino acid conservation, physicochemical variation, residue mobility, and thermodynamic stability) performed at Invitae indicates that this missense variant is expected to disrupt DOCK8 protein function with a positive predictive value of 80%. In summary, the available evidence is currently insufficient to determine the role of this variant in disease. Therefore, it has been classified as a Variant of Uncertain Significance.

Women's Health and Genetics/Laboratory Corporation of America, LabCorp
Classification: Likely benign. Last evaluated: 2024-01-11. Review status: criteria provided, single submitter. Criteria: LabCorp Variant Classification Summary - May 2015. Collection method: clinical testing. Allele origin: germline.
Comment: Variant summary: DOCK8 c.3312G>C (p.Glu1104Asp) results in a conservative amino acid change in the encoded protein sequence. Three of five in-silico tools predict a damaging effect of the variant on protein function. The variant allele was found at a frequency of 0.0007 in 251296 control chromosomes, predominantly at a frequency of 0.0012 within the Non-Finnish European subpopulation in the gnomAD database. The observed variant frequency within Non-Finnish European control individuals in the gnomAD database is approximately 4-fold of the estimated maximal expected allele frequency for a pathogenic variant in DOCK8 causing Severe Combined Immunodeficiency phenotype (0.00035), strongly suggesting that the variant is a benign polymorphism found primarily in populations of Non-Finnish European origin. c.3312G>C has been reported in the literature in individuals affected with Common Variable Immunodeficiency and Autism/Developmental Delay, without strong evidence for causality (Maffucci_2016, Guo_2018). These report(s) do not provide unequivocal conclusions about association of the variant with Severe Combined Immunodeficiency. To our knowledge, no experimental evidence demonstrating an impact on protein function has been reported. The following publications have been ascertained in the context of this evaluation (PMID: 30564305, 27379089). ClinVar contains an entry for this variant (Variation ID: 366974, VUS). Based on the evidence outlined above, the variant was classified as likely benign.

New York Genome Center
Classification: Uncertain significance for Combined immunodeficiency due to DOCK8 deficiency. Last evaluated: 2021-06-03. Review status: criteria provided, single submitter. Criteria: NYGC Assertion Criteria 2020. Collection method: clinical testing. Allele origin: inherited. Observed: 1 heterozygote. Study: CSER-NYCKidSeq.

Fulgent Genetics
Classification: Uncertain significance for Combined immunodeficiency due to DOCK8 deficiency. Last evaluated: 2018-10-31. Review status: criteria provided, single submitter. Criteria: ACMG Guidelines, 2015. Collection method: clinical testing. Allele origin: unknown.

Illumina Laboratory Services, Illumina
Classification: Uncertain significance for Combined immunodeficiency due to DOCK8 deficiency. Last evaluated: 2018-01-12. Review status: criteria provided, single submitter. Criteria: ICSL Variant Classification Criteria 13 December 2019. Collection method: clinical testing. Allele origin: germline.

Clinical Genetics DNA and cytogenetics Diagnostics Lab, Erasmus MC, Erasmus Medical Center
Classification: Uncertain significance. Review status: no assertion criteria provided. Collection method: clinical testing. Allele origin: germline. Affected: yes. Study: VKGL Data-share Consensus. Not counted in ClinVar's aggregate classification.

Joint Genome Diagnostic Labs from Nijmegen and Maastricht, Radboudumc and MUMC+
Classification: Uncertain significance. Review status: no assertion criteria provided. Collection method: clinical testing. Allele origin: germline. Affected: yes. Study: VKGL Data-share Consensus. Not counted in ClinVar's aggregate classification.

Literature cited by the submitters: PubMed 30564305 (cited by Women's Health and Genetics/Laboratory Corporation of America, LabCorp); PubMed 27379089 (cited by Women's Health and Genetics/Laboratory Corporation of America, LabCorp).

NM_203447.4(DOCK8):c.3312G>C (p.Glu1104Asp)

Gene: DOCK8 (dedicator of cytokinesis 8; plus strand). Cytogenetic location: 9p24.3.
Variant type: single nucleotide variant.
Coding change: c.3312G>C on transcript NM_203447.4 (MANE Select); coding-DNA position 3312, G replaced by C.
Protein change: p.Glu1104Asp; replaces glutamic acid 1104 with aspartic acid.
Molecular consequence: missense variant.
Genome position (GRCh38, 1-based): chr9:404,995, G>C. VCF-style: chr9-404995-G-C. GRCh37 (hg19) VCF-style: chr9-404995-G-C.
Other names: c.3012G>C, p.Glu1004Asp (NM_001190458.2); c.3108G>C, p.Glu1036Asp (NM_001193536.2); short protein forms E1104D, E1004D, E1036D.
Identifiers: ClinVar variation 366974 (VCV000366974.19), dbSNP rs138810908, ClinGen allele CA4958637.
Genomic context (GRCh38, chr9:404,995, plus strand): 5'-TAACCTTCCAACGCTCATTTCCATGAGGCTAGAGTTCCTGAGAATCCTCTGTAGCCATGA[G>C]CATTACCTCAATCTGAACCTTTTTTTTATGAATGCTGATACTGCTCCAACATCTCCTTGT-3'
Protein context (NP_982272.2, residues 1094-1114): LEFLRILCSH[Glu1104Asp]HYLNLNLFFM